The following is an entry in ClinVar:

NM_003737.4(DCHS1):c.7109A>G (p.Asn2370Ser)

Gene: DCHS1 (dachsous cadherin-related 1; minus strand). Cytogenetic location: 11p15.4.
Variant type: single nucleotide variant.
Coding change: c.7109A>G on transcript NM_003737.4 (MANE Select); coding-DNA position 7109, A replaced by G.
Protein change: p.Asn2370Ser; replaces asparagine 2370 with serine.
Molecular consequence: missense variant.
Genome position (GRCh38, 1-based): chr11:6,625,235, T>C on the plus strand (A>G on the coding strand, the complement: DCHS1 is on the minus strand). VCF-style: chr11-6625235-T-C. GRCh37 (hg19) VCF-style: chr11-6646466-T-C.
Other names: c.7109A>G (NM_003737.3); short protein forms N2370S.
Identifiers: ClinVar variation 1942552 (VCV001942552.29), dbSNP rs483352919, ClinGen allele CA217330254.

ClinVar aggregate classification (germline): Uncertain significance. Review status: criteria provided, multiple submitters, no conflicts (2 of 4 stars). 3 submissions from 3 submitters: Uncertain significance (2). 1 of the submissions does not count toward it. Last evaluated 2023-04-09.

Conditions:
DCHS1-related disorder. Also called: DCHS1-related condition.

Allele frequency attached by ClinVar (database versions not stated): gnomAD exomes 0.00001; TOPMed 0.00001; gnomAD 0.00003; 1000 Genomes Project 30x 0.00016; 1000 Genomes Project 0.00020.
gnomAD v4.1: 24 of 1,608,820 alleles (0.0015%); highest among the groups gnomAD compares: East Asian, 0.0045%; no homozygotes.

Submissions (3):

Labcorp Genetics (formerly Invitae), Labcorp
Classification: Uncertain significance. Last evaluated: 2023-04-09. Review status: criteria provided, single submitter. Criteria: Invitae Variant Classification Sherloc (09022015). Collection method: clinical testing. Allele origin: germline.
Comment: In summary, the available evidence is currently insufficient to determine the role of this variant in disease. Therefore, it has been classified as a Variant of Uncertain Significance. Advanced modeling of protein sequence and biophysical properties (such as structural, functional, and spatial information, amino acid conservation, physicochemical variation, residue mobility, and thermodynamic stability) has been performed at Invitae for this missense variant, however the output from this modeling did not meet the statistical confidence thresholds required to predict the impact of this variant on DCHS1 protein function. This sequence change replaces asparagine, which is neutral and polar, with serine, which is neutral and polar, at codon 2370 of the DCHS1 protein (p.Asn2370Ser). The frequency data for this variant in the population databases is considered unreliable, as metrics indicate poor data quality at this position in the gnomAD database. This variant has not been reported in the literature in individuals affected with DCHS1-related conditions. ClinVar contains an entry for this variant (Variation ID: 1942552).

CeGaT Center for Human Genetics Tuebingen
Classification: Uncertain significance. Last evaluated: 2022-08-01. Review status: criteria provided, single submitter. Criteria: CeGaT Center For Human Genetics Tuebingen Variant Classification Criteria Version 2. Collection method: clinical testing. Allele origin: germline. Affected: yes. Observed: 1 variant allele.
Comment: DCHS1: PM2, PM5

PreventionGenetics, part of Exact Sciences
Classification: Uncertain significance for DCHS1-related condition. Last evaluated: 2023-11-22. Review status: no assertion criteria provided. Collection method: clinical testing. Allele origin: germline. Not counted in ClinVar's aggregate classification.
Comment: The DCHS1 c.7109A>G variant is predicted to result in the amino acid substitution p.Asn2370Ser. To our knowledge, this variant has not been reported in the literature. This variant is reported in 0.0033% of alleles in individuals of South Asian descent in gnomAD. At this time, the clinical significance of this variant is uncertain due to the absence of conclusive functional and genetic evidence.